The following is an entry in ClinVar:

NM_152269.5(MTRFR):c.234C>A (p.Thr78=)

Gene: MTRFR (mitochondrial translation release factor in rescue; plus strand). Cytogenetic location: 12q24.31.
Variant type: single nucleotide variant.
Coding change: c.234C>A on transcript NM_152269.5 (MANE Select); coding-DNA position 234, C replaced by A.
Protein change: p.Thr78=; no amino-acid change (threonine 78 retained).
Molecular consequence: synonymous variant.
Genome position (GRCh38, 1-based): chr12:123,253,908, C>A. VCF-style: chr12-123253908-C-A. GRCh37 (hg19) VCF-style: chr12-123738455-C-A.
Other names: c.234C>A, p.Thr78= (NM_001143905.2, NM_001194995.1).
Identifiers: ClinVar variation 697718 (VCV000697718.37), dbSNP rs140942886, ClinGen allele CA6856543.

ClinVar aggregate classification (germline): Conflicting classifications of pathogenicity. Review status: criteria provided, conflicting classifications (1 of 4 stars). 4 submissions from 4 submitters: Uncertain significance (1); Likely benign (3). Last evaluated 2024-11-21.

Conditions:
Combined oxidative phosphorylation defect type 7. Identifiers: Orphanet 254930, MedGen C3150801, MONDO:0013306, OMIM 613559.
Spastic paraplegia. Identifiers: MedGen C0037772, HP:0001258.
Hereditary spastic paraplegia. Also called: Familial spastic paraparesis. Identifiers: Orphanet 685, MedGen C0037773, MONDO:0019064. Disease mechanism: loss of function.

Allele frequency attached by ClinVar (database versions not stated): TOPMed 0.00005; ESP Exome Variant Server 0.00015.
gnomAD v4.1: 48 of 1,614,088 alleles (0.003%); highest among the groups gnomAD compares: Middle Eastern, 0.016%; no homozygotes.

Submissions (4):

Labcorp Genetics (formerly Invitae), Labcorp
Classification: Likely benign for Combined oxidative phosphorylation defect type 7; Spastic paraplegia. Last evaluated: 2024-11-21. Review status: criteria provided, single submitter. Criteria: Invitae Variant Classification Sherloc (09022015). Collection method: clinical testing. Allele origin: germline.

CeGaT Center for Human Genetics Tuebingen
Classification: Likely benign. Last evaluated: 2023-10-01. Review status: criteria provided, single submitter. Criteria: CeGaT Center For Human Genetics Tuebingen Variant Classification Criteria Version 2. Collection method: clinical testing. Allele origin: germline. Affected: yes. Observed: 1 variant allele.
Comment: MTRFR: BP4, BP7

Blueprint Genetics
Classification: Likely benign. Last evaluated: 2021-04-12. Review status: criteria provided, single submitter. Criteria: ACMG Guidelines, 2015. Collection method: clinical testing. Allele origin: germline.

Genome Diagnostics Laboratory, The Hospital for Sick Children
Classification: Uncertain significance for Hereditary spastic paraplegia. Last evaluated: 2019-11-01. Review status: criteria provided, single submitter. Criteria: ACMG Guidelines, 2015. Collection method: clinical testing. Allele origin: germline. Affected: yes.